The following is an entry in ClinVar:

NM_001130987.2(DYSF):c.2012del (p.Gly671fs)

Gene: DYSF (dysferlin; plus strand). Cytogenetic location: 2p13.2.
Variant type: Deletion.
Coding change: c.2012del on transcript NM_001130987.2 (MANE Select); coding-DNA position 2012, one base deleted (G; older notation c.2012delG).
Protein change: p.Gly671fs; shifts the reading frame from glycine 671.
Molecular consequence: frameshift variant.
Genome position (GRCh38, 1-based): chr2:71,553,834, G deleted; the last of 4 consecutive G bases (chr2:71,553,831-71,553,834); deleting any one gives the same sequence. VCF-style (leftmost placement, unchanged base first): chr2-71553830-TG-T. GRCh37 (hg19) VCF-style: chr2-71780960-TG-T.
Other names: c.1961del, p.Gly654fs (NM_001130455.2, NM_001130983.2); c.1916del, p.Gly639fs (NM_001130976.2, NM_001130977.2); c.1958del, p.Gly653fs (NM_001130978.2, NM_003494.4); c.2051del, p.Gly684fs (NM_001130979.2); c.2009del, p.Gly670fs (NM_001130980.2, NM_001130981.2); c.2054del, p.Gly685fs (NM_001130982.2); c.1919del, p.Gly640fs (NM_001130984.2, NM_001130986.2); c.2012del, p.Gly671fs (NM_001130985.2); short protein forms G639fs, G640fs, G653fs, G654fs, G670fs, G671fs, G684fs, G685fs.
Identifiers: ClinVar variation 4815131 (VCV004815131.1).

ClinVar aggregate classification (germline): Pathogenic (1 of 4 stars; one submission).

Conditions:
Autosomal recessive limb-girdle muscular dystrophy type 2B (LGMDR2). Also called: MUSCULAR DYSTROPHY, LIMB-GIRDLE, TYPE 3; MUSCULAR DYSTROPHY, LIMB-GIRDLE, AUTOSOMAL RECESSIVE 2; Limb-Girdle Muscular Dystrophy Type 2B (LGMD2B); Limb-girdle muscular dystrophy, type 2B. Identifiers: Orphanet 268, MedGen C1850889, MONDO:0009676, OMIM 253601.

Submission:

Natera, Inc.
Classification: Pathogenic for Limb-girdle muscular dystrophy type 2B. Last evaluated: 2025-09-11. Review status: criteria provided, single submitter. Criteria: Natera Variant Classification Schema (03/2026). Collection method: clinical testing. Allele origin: germline.
Comment: The c.1958del variant in DYSF is a frameshift variant predicted to shift the reading frame beginning at codon 653 and leads to a stop codon 3 codons downstream. This variant is expected to result in nonsense mediated decay, truncation, or a dysfunctional protein product. This variant is rare in the general population with a frequency below the threshold expected for the associated phenotype(s). This variant has been observed in one or more individuals affected with the associated recessive disease, as either homozygous or compound heterozygous with a second variant (PMID: 30439648). Given the available evidence, this variant is classified as Pathogenic.

Literature cited by the submitters: PubMed 30439648.